The following is an entry in ClinVar:

ClinVar aggregate classification (germline): Conflicting classifications of pathogenicity. Review status: criteria provided, conflicting classifications (1 of 4 stars). 2 submissions from 2 submitters: Pathogenic (1); Uncertain significance (1). Last evaluated 2024-12-03.

Conditions:
Severe X-linked myotubular myopathy (CNMX). Also called: MYOTUBULAR MYOPATHY 1; X-linked centronuclear myopathy; Myotubular myopathy, X-linked. Identifiers: Orphanet 596, MedGen C0410203, MONDO:0010683, OMIM 310400.
Familial Mediterranean fever, autosomal dominant. Also called: Dominant Familial Mediterranean Fever; FMF, AUTOSOMAL DOMINANT. Identifiers: Orphanet 342, MedGen C1851347, MONDO:0007601, OMIM 134610.

Submissions (2):

Johns Hopkins Genomics, Johns Hopkins University
Classification: Uncertain significance for Familial Mediterranean fever, autosomal dominant. Last evaluated: 2024-12-03. Review status: criteria provided, single submitter. Criteria: ACMG Guidelines, 2015. Collection method: clinical testing. Allele origin: germline.
Comment: The clinical significance of this variant is uncertain (PM2, PP1, PP3, PP5).

Genetic Services Laboratory, University of Chicago
Classification: Pathogenic for Myotubular myopathy, X-linked. Last evaluated: 2013-02-08. Review status: criteria provided, single submitter. Criteria: ACMG Guidelines, 2007. Collection method: clinical testing. Allele origin: germline. Inheritance: X-linked inheritance. Affected: yes.

Literature cited by the submitters: PubMed 22968136 (cited by Johns Hopkins Genomics, Johns Hopkins University); PubMed 37101954 (cited by Johns Hopkins Genomics, Johns Hopkins University).

NM_000252.3(MTM1):c.637C>T (p.Leu213Phe)

Gene: MTM1 (myotubularin 1; plus strand). Cytogenetic location: Xq28.
Variant type: single nucleotide variant.
Coding change: c.637C>T on transcript NM_000252.3 (MANE Select); coding-DNA position 637, C replaced by T.
Protein change: p.Leu213Phe; replaces leucine 213 with phenylalanine.
Molecular consequence: missense variant.
Genome position (GRCh38, 1-based): chrX:150,641,377, C>T. VCF-style: chrX-150641377-C-T. GRCh37 (hg19) VCF-style: chrX-149809850-C-T.
Other names: c.637C>T, p.Leu213Phe (NM_001376906.1, NM_001376908.1); c.526C>T, p.Leu176Phe (NM_001376907.1); short protein forms L213F, L176F.
Identifiers: ClinVar variation 158991 (VCV000158991.7), dbSNP rs587783845, ClinGen allele CA271916.
Genomic context (GRCh38, chrX:150,641,377, plus strand): 5'-GAGCTCTGTGACACTTACCCTGCTCTTTTGGTGGTTCCGTATCGTGCCTCAGATGATGAC[C>T]TCCGGAGAGTTGCAACTTTTAGGTCCCGAAATCGAATTCCAGTGAGTACTGCAATTAACG-3'
Protein context (NP_000243.1, residues 203-223): VVPYRASDDD[Leu213Phe]RRVATFRSRN